The following is an entry in ClinVar:

ClinVar aggregate classification (germline): Pathogenic/Likely pathogenic. Review status: criteria provided, multiple submitters, no conflicts (2 of 4 stars). 2 submissions from 2 submitters: Pathogenic (1); Likely pathogenic (1). Last evaluated 2017-07-28.

Submissions (2):

Labcorp Genetics (formerly Invitae), Labcorp
Classification: Pathogenic. Last evaluated: 2017-07-28. Review status: criteria provided, single submitter. Criteria: Invitae Variant Classification Sherloc (09022015). Collection method: clinical testing. Allele origin: germline.
Comment: For these reasons, this variant has been classified as Pathogenic. Loss-of-function variants in AIMP1 are known to be pathogenic (PMID: 21092922). This variant has not been reported in the literature in individuals with AIMP1-related disease. This variant is not present in population databases (ExAC no frequency). This sequence change creates a premature translational stop signal (p.Lys121Serfs*6) in the AIMP1 gene. It is expected to result in an absent or disrupted protein product.

Center for Pediatric Genomic Medicine, Children's Mercy Hospital and Clinics
Classification: Likely pathogenic. Last evaluated: 2016-12-15. Review status: criteria provided, single submitter. Criteria: ACMG Guidelines, 2015. Collection method: clinical testing. Allele origin: germline.

Literature cited by the submitters: PubMed 21092922 (cited by Labcorp Genetics (formerly Invitae), Labcorp).

NM_001142416.2(AIMP1):c.362_366del (p.Lys121fs)

Gene: AIMP1 (aminoacyl tRNA synthetase complex interacting multifunctional protein 1; plus strand). Cytogenetic location: 4q24.
Variant type: Deletion.
Coding change: c.362_366del on transcript NM_001142416.2 (MANE Select); coding-DNA positions 362 to 366, 5 bases deleted (AGAAA; older notation c.362_366delAGAAA).
Protein change: p.Lys121fs; shifts the reading frame from lysine 121.
Molecular consequence: frameshift variant.
Genome position (GRCh38, 1-based): chr4:106,328,214-106,328,218, AGAAA deleted; deleting any 5 consecutive bases within chr4:106,328,210-106,328,218 gives the same sequence; the c. name uses the placement nearest the transcript's 3' end. VCF-style (leftmost placement, unchanged base first): chr4-106328209-CGAAAA-C. GRCh37 (hg19) VCF-style: chr4-107249366-CGAAAA-C.
Other names: c.362_366del, p.Lys121fs (NM_001142415.2, NM_004757.4); short protein forms K121fs.
Identifiers: ClinVar variation 376970 (VCV000376970.7), dbSNP rs1057520101, ClinGen allele CA16603224.
Genomic context (GRCh38, chr4:106,328,209, plus strand): 5'-TACAGCAGTAACAACCGTATCTTCTGGTACCAAAGAACAGATAAAAGGAGGAACAGGAGA[CGAAAA>C]GAAAGCGAAAGAGAAAATTGAAAAGAAAGGTATTTTTGACCTTTAAGCATATTTAGCTCT-3'